The following is an entry in ClinVar:

ClinVar aggregate classification (germline): Uncertain significance. Review status: criteria provided, multiple submitters, no conflicts (2 of 4 stars). 6 submissions from 6 submitters: Uncertain significance (6). Last evaluated 2026-06-05.

Conditions:
POLD1-related disorder. Also called: POLD1-related disorders; POLD1-related condition.
POLD1-related polyposis and colorectal cancer syndrome (CRCS10). Also called: Colorectal cancer, susceptibility to, 10; Colorectal cancer 10; COLORECTAL CANCER, SUSCEPTIBILITY TO, ON CHROMOSOME 19q. Identifiers: Orphanet 220460, MedGen C2675481, MONDO:0012953, OMIM 612591.
Hereditary cancer-predisposing syndrome. Also called: Hereditary Cancer Syndrome; Hereditary neoplastic syndrome; Neoplastic Syndromes, Hereditary; Tumor predisposition. Identifiers: Orphanet 140162, MedGen C0027672, MeSH D009386, MONDO:0015356.

Allele frequency attached by ClinVar (database versions not stated): ExAC below 0.00001; TOPMed 0.00001.

Submissions (6):

PreventionGenetics, part of Exact Sciences
Classification: Uncertain significance for POLD1-related condition. Last evaluated: 2026-06-05. Review status: criteria provided, single submitter. Criteria: ACMG Guidelines, 2015. Collection method: clinical testing. Allele origin: germline.
Comment: The POLD1 c.1082C>T variant is predicted to result in the amino acid substitution p.Ala361Val. To our knowledge, this variant has not been reported in literature or in gnomAD, indicating that it is rare. This variant has been classified as a variant of uncertain significance in ClinVar (Variation ID: 822127). At this time, the clinical significance of this variant is uncertain due to the absence of conclusive functional and genetic evidence.

Labcorp Genetics (formerly Invitae), Labcorp
Classification: Uncertain significance for POLD1-related polyposis and colorectal cancer syndrome. Last evaluated: 2025-09-24. Review status: criteria provided, single submitter. Criteria: Invitae Variant Classification Sherloc (09022015). Collection method: clinical testing. Allele origin: germline.
Comment: This sequence change replaces alanine, which is neutral and non-polar, with valine, which is neutral and non-polar, at codon 361 of the POLD1 protein (p.Ala361Val). This variant is not present in population databases (gnomAD no frequency). This variant has not been reported in the literature in individuals affected with POLD1-related conditions. ClinVar contains an entry for this variant (Variation ID: 822127). Invitae Evidence Modeling of protein sequence and biophysical properties (such as structural, functional, and spatial information, amino acid conservation, physicochemical variation, residue mobility, and thermodynamic stability) indicates that this missense variant is expected to disrupt POLD1 protein function with a positive predictive value of 80%. In summary, the available evidence is currently insufficient to determine the role of this variant in disease. Therefore, it has been classified as a Variant of Uncertain Significance.

Ambry Genetics
Classification: Uncertain significance for Hereditary cancer-predisposing syndrome. Last evaluated: 2025-08-20. Review status: criteria provided, single submitter. Criteria: Ambry Variant Classification Scheme 2023. Collection method: clinical testing. Allele origin: germline.
Comment: The p.A361V variant (also known as c.1082C>T), located in coding exon 8 of the POLD1 gene, results from a C to T substitution at nucleotide position 1082. The alanine at codon 361 is replaced by valine, an amino acid with similar properties. This amino acid position is highly conserved in available vertebrate species. In addition, this alteration is predicted to be tolerated by in silico analysis. Since supporting evidence is limited at this time, the clinical significance of this alteration remains unclear.

Baylor Genetics
Classification: Uncertain significance for POLD1-related polyposis and colorectal cancer syndrome. Last evaluated: 2024-02-03. Review status: criteria provided, single submitter. Criteria: ACMG Guidelines, 2015. Collection method: clinical testing. Allele origin: unknown.

Blueprint Genetics
Classification: Uncertain significance. Last evaluated: 2023-03-01. Review status: criteria provided, single submitter. Criteria: ACMG Guidelines, 2015. Collection method: clinical testing. Allele origin: germline.

GeneDx
Classification: Uncertain significance. Last evaluated: 2019-05-29. Review status: criteria provided, single submitter. Criteria: GeneDx Variant Classification Process June 2021. Collection method: clinical testing. Allele origin: germline. Affected: yes.
Comment: Not observed in large population cohorts (Lek et al., 2016); In silico analysis, which includes protein predictors and evolutionary conservation, supports a deleterious effect; Has not been previously published as pathogenic or benign to our knowledge

NM_002691.4(POLD1):c.1082C>T (p.Ala361Val)

Gene: POLD1 (DNA polymerase delta 1, catalytic subunit; plus strand). Cytogenetic location: 19q13.33.
Variant type: single nucleotide variant.
Coding change: c.1082C>T on transcript NM_002691.4 (MANE Select); coding-DNA position 1082, C replaced by T.
Protein change: p.Ala361Val; replaces alanine 361 with valine.
Molecular consequence: missense variant. On other transcripts: non-coding transcript variant (1).
Genome position (GRCh38, 1-based): chr19:50,403,164, C>T. VCF-style: chr19-50403164-C-T. GRCh37 (hg19) VCF-style: chr19-50906421-C-T.
Other names: c.1082C>T, p.Ala361Val (NM_001256849.1, NM_001308632.1); short protein forms A361V.
Identifiers: ClinVar variation 822127 (VCV000822127.20), dbSNP rs756138051, ClinGen allele CA9596020.